The following is an entry in ClinVar:

ClinVar aggregate classification (germline): Likely benign (0 of 4 stars; one submission).

Conditions:
HERC1-related disorder. Also called: HERC1-related condition.

Allele frequency attached by ClinVar (database versions not stated): gnomAD 0.00001; 1000 Genomes Project 30x 0.00031; 1000 Genomes Project 0.00040.
gnomAD v4.1: 10 of 1,613,876 alleles (0.00062%); highest among the groups gnomAD compares: East Asian, 0.0089%; no homozygotes.

Submission:

PreventionGenetics, part of Exact Sciences
Classification: Likely benign for HERC1-related condition. Last evaluated: 2019-04-11. Review status: no assertion criteria provided. Collection method: clinical testing. Allele origin: germline.
Comment: This variant is classified as likely benign based on ACMG/AMP sequence variant interpretation guidelines (Richards et al. 2015 PMID: 25741868, with internal and published modifications).

NM_003922.4(HERC1):c.11853C>G (p.Thr3951=)

Gene: HERC1 (HECT and RLD domain containing E3 ubiquitin protein ligase family member 1; minus strand). Cytogenetic location: 15q22.31.
Variant type: single nucleotide variant.
Coding change: c.11853C>G on transcript NM_003922.4 (MANE Select); coding-DNA position 11853, C replaced by G.
Protein change: p.Thr3951=; no amino-acid change (threonine 3951 retained).
Molecular consequence: synonymous variant.
Genome position (GRCh38, 1-based): chr15:63,640,200, G>C on the plus strand (C>G on the coding strand, the complement: HERC1 is on the minus strand). VCF-style: chr15-63640200-G-C. GRCh37 (hg19) VCF-style: chr15-63932399-G-C.
Identifiers: ClinVar variation 3046586 (VCV003046586.2), dbSNP rs375981726, ClinGen allele CA7604144.